The following is an entry in ClinVar:

NM_020433.5(JPH2):c.1414_1415delinsGG (p.Leu472Gly)

Gene: JPH2 (junctophilin 2; minus strand). Cytogenetic location: 20q13.12.
Variant type: Indel.
Coding change: c.1414_1415delinsGG on transcript NM_020433.5 (MANE Select); coding-DNA positions 1414 to 1415, CT replaced by GG.
Protein change: p.Leu472Gly; replaces leucine 472 with glycine.
Molecular consequence: missense variant.
Genome position (GRCh38, 1-based): chr20:44,116,260-44,116,261, AG replaced by CC on the plus strand (CT replaced by GG on the coding strand, the reverse complement: JPH2 is on the minus strand). VCF-style: chr20-44116260-AG-CC. GRCh37 (hg19) VCF-style: chr20-42744900-AG-CC.
Other names: short protein forms L472G.
Identifiers: ClinVar variation 1315339 (VCV001315339.2), dbSNP rs2145838792, ClinGen allele CA2573054871.

ClinVar aggregate classification (germline): Uncertain significance (1 of 4 stars; one submission).

Submission:

GeneDx
Classification: Uncertain significance. Last evaluated: 2020-02-04. Review status: criteria provided, single submitter. Criteria: GeneDx Variant Classification Process June 2021. Collection method: clinical testing. Allele origin: germline. Affected: yes.
Comment: Has not been previously published as pathogenic or benign to our knowledge; Not observed in large population cohorts (Lek et al., 2016); In silico analysis supports that this variant does not alter protein structure/function